The following is an entry in ClinVar:

ClinVar aggregate classification (germline): Uncertain significance (1 of 4 stars; one submission).

gnomAD v4.1: 2 of 1,589,936 alleles (0.00013%); highest among the groups gnomAD compares: Non-Finnish European, 0.00017%; no homozygotes.

Submission:

Labcorp Genetics (formerly Invitae), Labcorp
Classification: Uncertain significance. Last evaluated: 2025-12-19. Review status: criteria provided, single submitter. Criteria: Invitae Variant Classification Sherloc (09022015). Collection method: clinical testing. Allele origin: germline.
Comment: This sequence change replaces glutamine, which is neutral and polar, with proline, which is neutral and non-polar, at codon 827 of the RAI1 protein (p.Gln827Pro). This variant is not present in population databases (gnomAD no frequency). This variant has not been reported in the literature in individuals affected with RAI1-related conditions. Invitae Evidence Modeling of protein sequence and biophysical properties (such as structural, functional, and spatial information, amino acid conservation, physicochemical variation, residue mobility, and thermodynamic stability) indicates that this missense variant is not expected to disrupt RAI1 protein function with a negative predictive value of 80%. In summary, the available evidence is currently insufficient to determine the role of this variant in disease. Therefore, it has been classified as a Variant of Uncertain Significance.

NM_030665.4(RAI1):c.2480A>C (p.Gln827Pro)

Gene: RAI1 (retinoic acid induced 1; plus strand). Cytogenetic location: 17p11.2.
Variant type: single nucleotide variant.
Coding change: c.2480A>C on transcript NM_030665.4 (MANE Select); coding-DNA position 2480, A replaced by C.
Protein change: p.Gln827Pro; replaces glutamine 827 with proline.
Molecular consequence: missense variant.
Genome position (GRCh38, 1-based): chr17:17,795,428, A>C. VCF-style: chr17-17795428-A-C. GRCh37 (hg19) VCF-style: chr17-17698742-A-C.
Other names: short protein forms Q827P.
Identifiers: ClinVar variation 4741259 (VCV004741259.1).